The following is an entry in ClinVar:

ClinVar aggregate classification (germline): Conflicting classifications of pathogenicity. Review status: criteria provided, conflicting classifications (1 of 4 stars). 4 submissions from 4 submitters: Pathogenic (1); Likely pathogenic (1); Uncertain significance (1). 1 of the submissions does not count toward it. Last evaluated 2025-07-09.

Conditions:
Erythrokeratodermia variabilis et progressiva 5. Identifiers: MedGen C4540331, MONDO:0033015, OMIM 617756.

Allele frequency attached by ClinVar (database versions not stated): TOPMed 0.00001; gnomAD 0.00007 and below 0.00001; ExAC 0.00019; gnomAD exomes 0.00021 and 0.00010.

Submissions (4):

First Genomix Gene Laboratory, Genetic Diagnostics Department
Classification: Pathogenic for Erythrokeratodermia variabilis et progressiva 5. Last evaluated: 2025-07-09. Review status: criteria provided, single submitter. Criteria: ACMG Guidelines, 2015. Collection method: clinical testing. Allele origin: germline. Inheritance: Autosomal recessive inheritance. Affected: no. Observed: 1 variant allele.

Genomic Medicine Center of Excellence, King Faisal Specialist Hospital and Research Centre
Classification: Likely pathogenic for Erythrokeratodermia variabilis et progressiva 5. Last evaluated: 2024-04-04. Review status: criteria provided, single submitter. Criteria: ACMG Guidelines, 2015. Collection method: clinical testing. Allele origin: germline.

Revvity Omics, Revvity
Classification: Uncertain significance. Last evaluated: 2023-05-04. Review status: criteria provided, single submitter. Criteria: ACMG Guidelines, 2015. Collection method: clinical testing. Allele origin: germline.

OMIM
Classification: Pathogenic for ERYTHROKERATODERMIA VARIABILIS ET PROGRESSIVA 5 (1 family). Last evaluated: 2025-04-08. Review status: no assertion criteria provided. Collection method: literature only. Allele origin: germline. Not counted in ClinVar's aggregate classification.

Literature cited by the submitters: PubMed 27965375 (cited by OMIM).

NM_002282.3(KRT83):c.811del (p.Ser271fs)

Gene: KRT83 (keratin 83; minus strand). Cytogenetic location: 12q13.13.
Variant type: Deletion.
Coding change: c.811del on transcript NM_002282.3 (MANE Select); coding-DNA position 811, one base deleted (A; older notation c.811delA).
Protein change: p.Ser271fs; shifts the reading frame from serine 271.
Molecular consequence: frameshift variant.
Genome position (GRCh38, 1-based): chr12:52,316,963, T deleted on the plus strand (A on the coding strand, the reverse complement: KRT83 is on the minus strand). VCF-style (leftmost placement, unchanged base first): chr12-52316962-CT-C. GRCh37 (hg19) VCF-style: chr12-52710746-CT-C.
Other names: c.811delA (NM_002282.3); short protein forms S271fs.
Identifiers: ClinVar variation 446111 (VCV000446111.6), dbSNP rs753293188, ClinGen allele CA6577512.